The following is an entry in ClinVar:

ClinVar aggregate classification (germline): Benign/Likely benign. Review status: criteria provided, multiple submitters, no conflicts (2 of 4 stars). 3 submissions from 3 submitters: Benign (1); Likely benign (2). Last evaluated 2025-05-06.

Conditions:
Renal cell carcinoma. Identifiers: Orphanet 217071, MedGen C0007134, MeSH D002292, MONDO:0005086, HP:0005584.
Hereditary cancer-predisposing syndrome. Also called: Neoplastic Syndromes, Hereditary; Tumor predisposition; Hereditary Cancer Syndrome; Hereditary neoplastic syndrome. Identifiers: Orphanet 140162, MedGen C0027672, MeSH D009386, MONDO:0015356.
Papillary renal cell carcinoma type 1 (RCCP1). Also called: RENAL CELL CARCINOMA, PAPILLARY, 1, SOMATIC; Renal adenocarcinoma; Renal cell carcinoma 1; Renal cell carcinoma, somatic. Identifiers: Orphanet 47044, MedGen C1336839, OMIM 605074, HP:0011797.

Allele frequency attached by ClinVar (database versions not stated): gnomAD exomes below 0.00001; ExAC 0.00002; TOPMed 0.00002; gnomAD 0.00003; ESP Exome Variant Server 0.00017.
gnomAD v4.1: 5 of 1,613,918 alleles (0.00031%); highest among the groups gnomAD compares: African/African-American, 0.0067%; no homozygotes.

Submissions (3):

Labcorp Genetics (formerly Invitae), Labcorp
Classification: Likely benign for Renal cell carcinoma. Last evaluated: 2025-05-06. Review status: criteria provided, single submitter. Criteria: Invitae Variant Classification Sherloc (09022015). Collection method: clinical testing. Allele origin: germline.

Myriad Genetics, Inc.
Classification: Benign for Papillary renal cell carcinoma type 1. Last evaluated: 2024-11-14. Review status: criteria provided, single submitter. Criteria: Myriad Autosomal Dominant, Autosomal Recessive and X-Linked Classification Criteria (2023). Collection method: clinical testing. Allele origin: unknown.
Comment: This variant is considered benign. This variant is a silent/synonymous amino acid change and it is not expected to impact splicing.

Ambry Genetics
Classification: Likely benign for Hereditary cancer-predisposing syndrome. Last evaluated: 2022-06-28. Review status: criteria provided, single submitter. Criteria: Ambry Variant Classification Scheme 2023. Collection method: clinical testing. Allele origin: germline.

NM_000245.4(MET):c.3819C>G (p.Leu1273=)

Gene: MET (MET proto-oncogene, receptor tyrosine kinase; plus strand). Cytogenetic location: 7q31.2.
Variant type: single nucleotide variant.
Coding change: c.3819C>G on transcript NM_000245.4 (MANE Select); coding-DNA position 3819, C replaced by G.
Protein change: p.Leu1273=; no amino-acid change (leucine 1273 retained).
Molecular consequence: synonymous variant.
Genome position (GRCh38, 1-based): chr7:116,795,675, C>G. VCF-style: chr7-116795675-C-G. GRCh37 (hg19) VCF-style: chr7-116435729-C-G.
Other names: c.3873C>G, p.Leu1291= (NM_001127500.3); c.2529C>G, p.Leu843= (NM_001324402.2).
Identifiers: ClinVar variation 1735729 (VCV001735729.8), dbSNP rs367772588, ClinGen allele CA4448788.